The following is an entry in ClinVar:

ClinVar aggregate classification (germline): Uncertain significance. Review status: criteria provided, multiple submitters, no conflicts (2 of 4 stars). 3 submissions from 3 submitters: Uncertain significance (3). Last evaluated 2023-10-10.

Conditions:
Inborn genetic diseases. Identifiers: MedGen C0950123, MeSH D030342.
Succinate-semialdehyde dehydrogenase deficiency (SSADHD). Also called: GABA METABOLIC DEFECT; 4-HYDROXYBUTYRIC ACIDURIA; SSADH DEFICIENCY; Succinic Semialdehyde Dehydrogenase Deficiency. Identifiers: Orphanet 22, MedGen C0268631, MONDO:0010083, OMIM 271980.

Allele frequency attached by ClinVar (database versions not stated): gnomAD exomes below 0.00001; gnomAD 0.00001; TOPMed 0.00001.
gnomAD v4.1: 5 of 1,614,062 alleles (0.00031%); highest among the groups gnomAD compares: East Asian, 0.0022%; no homozygotes.

Submissions (3):

Ambry Genetics
Classification: Uncertain significance for Inborn genetic diseases. Last evaluated: 2023-10-10. Review status: criteria provided, single submitter. Criteria: Ambry Variant Classification Scheme 2023. Collection method: clinical testing. Allele origin: germline.

Labcorp Genetics (formerly Invitae), Labcorp
Classification: Uncertain significance for Succinate-semialdehyde dehydrogenase deficiency. Last evaluated: 2022-10-13. Review status: criteria provided, single submitter. Criteria: Invitae Variant Classification Sherloc (09022015). Collection method: clinical testing. Allele origin: germline.
Comment: This sequence change replaces arginine, which is basic and polar, with lysine, which is basic and polar, at codon 480 of the ALDH5A1 protein (p.Arg480Lys). This variant is present in population databases (no rsID available, gnomAD no frequency). This variant has not been reported in the literature in individuals affected with ALDH5A1-related conditions. ClinVar contains an entry for this variant (Variation ID: 529477). Advanced modeling of protein sequence and biophysical properties (such as structural, functional, and spatial information, amino acid conservation, physicochemical variation, residue mobility, and thermodynamic stability) performed at Invitae indicates that this missense variant is not expected to disrupt ALDH5A1 protein function. In summary, the available evidence is currently insufficient to determine the role of this variant in disease. Therefore, it has been classified as a Variant of Uncertain Significance.

Illumina Laboratory Services, Illumina
Classification: Uncertain significance for Succinate-semialdehyde dehydrogenase deficiency. Last evaluated: 2018-01-13. Review status: criteria provided, single submitter. Criteria: ICSL Variant Classification Criteria 13 December 2019. Collection method: clinical testing. Allele origin: germline.

NM_001080.3(ALDH5A1):c.1439G>A (p.Arg480Lys)

Gene: ALDH5A1 (aldehyde dehydrogenase 5 family member A1; plus strand). Cytogenetic location: 6p22.3.
Variant type: single nucleotide variant.
Coding change: c.1439G>A on transcript NM_001080.3 (MANE Select); coding-DNA position 1439, G replaced by A.
Protein change: p.Arg480Lys; replaces arginine 480 with lysine.
Molecular consequence: missense variant.
Genome position (GRCh38, 1-based): chr6:24,533,543, G>A. VCF-style: chr6-24533543-G-A. GRCh37 (hg19) VCF-style: chr6-24533771-G-A.
Other names: c.1295G>A, p.Arg432Lys (NM_001368954.1); c.1478G>A, p.Arg493Lys (NM_170740.1); short protein forms R480K, R493K, R432K.
Identifiers: ClinVar variation 529477 (VCV000529477.12), dbSNP rs1055012664, ClinGen allele CA136113698.